The following is an entry in ClinVar:

ClinVar aggregate classification (germline): Uncertain significance. Review status: criteria provided, multiple submitters, no conflicts (2 of 4 stars). 4 submissions from 4 submitters: Uncertain significance (4). Last evaluated 2025-07-08.

Conditions:
Hereditary breast ovarian cancer syndrome. Also called: Hereditary breast and ovarian cancer syndrome (HBOC); Hereditary breast and ovarian cancer; BRCA1- and BRCA2-Associated Hereditary Breast and Ovarian Cancer; Breast and ovarian cancer; Hereditary breast and ovarian cancer syndrome; Hereditary breast and/or ovarian cancer syndrome. Identifiers: Orphanet 145, MedGen C0677776, MeSH D061325, MONDO:0003582. Disease mechanism: loss of function.
Breast-ovarian cancer, familial, susceptibility to, 1 (BROVCA1). Also called: OVARIAN CANCER, SUSCEPTIBILITY TO; BRCA1 Hereditary Breast and Ovarian Cancer. Identifiers: Orphanet 145, MedGen C2676676, MONDO:0011450, OMIM 604370. Disease mechanism: loss of function.
Hereditary cancer-predisposing syndrome. Also called: Hereditary neoplastic syndrome; Tumor predisposition; Hereditary Cancer Syndrome; Neoplastic Syndromes, Hereditary. Identifiers: Orphanet 140162, MedGen C0027672, MeSH D009386, MONDO:0015356.

Allele frequency attached by ClinVar (database versions not stated): gnomAD exomes below 0.00001.
gnomAD v4.1: 1 of 1,612,934 alleles (0.000062%); highest among the groups gnomAD compares: Non-Finnish European, 0.000085%; no homozygotes.

Submissions (4):

Color Diagnostics, LLC DBA Color Health
Classification: Uncertain significance for Hereditary cancer-predisposing syndrome. Last evaluated: 2025-07-08. Review status: criteria provided, single submitter. Criteria: ACMG Guidelines, 2015. Collection method: clinical testing. Allele origin: germline.
Comment: This missense variant replaces aspartic acid with glutamic acid at codon 1381 of the BRCA1 protein. Computational prediction is inconclusive regarding the impact of this variant on protein structure and function. To our knowledge, functional studies have not been reported for this variant. This variant has not been reported in individuals affected with BRCA1-related disorders in the literature. This variant has not been identified in the general population by the Genome Aggregation Database (gnomAD). The available evidence is insufficient to determine the role of this variant in disease conclusively. Therefore, this variant is classified as a Variant of Uncertain Significance.

Labcorp Genetics (formerly Invitae), Labcorp
Classification: Uncertain significance for Hereditary breast ovarian cancer syndrome. Last evaluated: 2023-09-05. Review status: criteria provided, single submitter. Criteria: Invitae Variant Classification Sherloc (09022015). Collection method: clinical testing. Allele origin: germline.
Comment: In summary, the available evidence is currently insufficient to determine the role of this variant in disease. Therefore, it has been classified as a Variant of Uncertain Significance. Advanced modeling of protein sequence and biophysical properties (such as structural, functional, and spatial information, amino acid conservation, physicochemical variation, residue mobility, and thermodynamic stability) performed at Invitae indicates that this missense variant is not expected to disrupt BRCA1 protein function. ClinVar contains an entry for this variant (Variation ID: 628110). This variant has not been reported in the literature in individuals affected with BRCA1-related conditions. This variant is not present in population databases (gnomAD no frequency). This sequence change replaces aspartic acid, which is acidic and polar, with glutamic acid, which is acidic and polar, at codon 1381 of the BRCA1 protein (p.Asp1381Glu).

All of Us Research Program, National Institutes of Health
Classification: Uncertain significance for Breast-ovarian cancer, familial, susceptibility to, 1. Last evaluated: 2023-07-10. Review status: criteria provided, single submitter. Criteria: ACMG Guidelines, 2015. Collection method: clinical testing. Allele origin: germline. Inheritance: Autosomal dominant inheritance. Observed: 2 variant alleles, 2 heterozygotes.
Comment: This missense variant replaces aspartic acid with glutamic acid at codon 1381 of the BRCA1 protein. Computational prediction is inconclusive regarding the impact of this variant on protein structure and function (internally defined REVEL score threshold 0.5 < inconclusive < 0.7, PMID: 27666373). To our knowledge, functional studies have not been reported for this variant. This variant has not been reported in individuals affected with BRCA1-related disorders in the literature. This variant has not been identified in the general population by the Genome Aggregation Database (gnomAD). The available evidence is insufficient to determine the role of this variant in disease conclusively. Therefore, this variant is classified as a Variant of Uncertain Significance.

This study involves interpretation of variants in research participants for the purpose of population health screening. Participant phenotype was not available at the time of variant classification. Additional details can be found in publication PMID: 35346344, PMCID: PMC8962531

Ambry Genetics
Classification: Uncertain significance for Hereditary cancer-predisposing syndrome. Last evaluated: 2023-05-26. Review status: criteria provided, single submitter. Criteria: Ambry Variant Classification Scheme 2023. Collection method: clinical testing. Allele origin: germline.
Comment: The p.D1381E variant (also known as c.4143C>G), located in coding exon 10 of the BRCA1 gene, results from a C to G substitution at nucleotide position 4143. The aspartic acid at codon 1381 is replaced by glutamic acid, an amino acid with highly similar properties. This amino acid position is not well conserved in available vertebrate species. In addition, the in silico prediction for this alteration is inconclusive. Since supporting evidence is limited at this time, the clinical significance of this alteration remains unclear.

NM_007294.4(BRCA1):c.4143C>G (p.Asp1381Glu)

Gene: BRCA1 (BRCA1 DNA repair associated; minus strand). Cytogenetic location: 17q21.31.
Variant type: single nucleotide variant.
Coding change: c.4143C>G on transcript NM_007294.4 (MANE Select); coding-DNA position 4143, C replaced by G.
Protein change: p.Asp1381Glu; replaces aspartic acid 1381 with glutamic acid.
Molecular consequence: missense variant. On other transcripts: non-coding transcript variant (1).
Genome position (GRCh38, 1-based): chr17:43,090,986, G>C on the plus strand (C>G on the coding strand, the complement: BRCA1 is on the minus strand). VCF-style: chr17-43090986-G-C. GRCh37 (hg19) VCF-style: chr17-41243003-G-C.
Other names: c.831C>G, p.Asp277Glu (NM_001407986.1, NM_001407991.1, NM_001407992.1 and 13 more transcripts); c.834C>G, p.Asp278Glu (NM_001407990.1, NM_001407993.1, NM_001408403.1 and 18 more transcripts); c.828C>G, p.Asp276Glu (NM_001408406.1); c.825C>G, p.Asp275Glu (NM_001408408.1); c.756C>G, p.Asp252Glu (NM_001408409.1, NM_001408411.1, NM_001408412.1 and 2 more transcripts); c.693C>G, p.Asp231Glu (NM_001408410.1, NM_001408452.1, NM_001408453.1 and 11 more transcripts); c.753C>G, p.Asp251Glu (NM_001408413.1, NM_001408416.1); c.717C>G, p.Asp239Glu (NM_001408418.1, NM_001408419.1, NM_001408420.1 and 2 more transcripts); and 41 more; short protein forms D1381E, D278E, D1334E, D1293E, D151E, D167E, D189E, D197E.
Identifiers: ClinVar variation 628110 (VCV000628110.19), dbSNP rs1567788391, ClinGen allele CA10593435.
Genomic context (GRCh38, chr17:43,090,986, plus strand): 5'-CACACACACGCTTTTTACCTGAGTGGTTAAAATGTCACTCTGAGAGGATAGCCCTGAGCA[G>C]TCTTCAGAGACGCTTGTTTCACTCTCACACCCAGATGCTGCTTCACCTTAAATAACAAAA-3'
Protein context (NP_009225.1, residues 1371-1391): GCESETSVSE[Asp1381Glu]CSGLSSQSDI